The following is an entry in ClinVar:

NM_153252.5(BRWD3):c.1421A>G (p.His474Arg)

Gene: BRWD3 (bromodomain and WD repeat domain containing 3; minus strand). Cytogenetic location: Xq21.1.
Variant type: single nucleotide variant.
Coding change: c.1421A>G on transcript NM_153252.5 (MANE Select); coding-DNA position 1421, A replaced by G.
Protein change: p.His474Arg; replaces histidine 474 with arginine.
Molecular consequence: missense variant.
Genome position (GRCh38, 1-based): chrX:80,725,033, T>C on the plus strand (A>G on the coding strand, the complement: BRWD3 is on the minus strand). VCF-style: chrX-80725033-T-C. GRCh37 (hg19) VCF-style: chrX-79980532-T-C.
Other names: short protein forms H474R.
Identifiers: ClinVar variation 3664118 (VCV003664118.2).
Genomic context (GRCh38, chrX:80,725,033, plus strand): 5'-TCCCAAATAAAAATGTTCCCATCATGACCTGCTGAAAGTATGATCCTTTGATCAAATGGA[T>C]GGGCTTCTAGAACGAATACTTCATCATCATGTCCCTATAATAAAAATCAGTATTAACAAT-3'
Protein context (NP_694984.5, residues 464-484): HDDEVFVLEA[His474Arg]PFDQRIILSA

ClinVar aggregate classification (germline): Uncertain significance (1 of 4 stars; one submission).

Submission:

Labcorp Genetics (formerly Invitae), Labcorp
Classification: Uncertain significance. Last evaluated: 2024-09-01. Review status: criteria provided, single submitter. Criteria: Invitae Variant Classification Sherloc (09022015). Collection method: clinical testing. Allele origin: germline.
Comment: This sequence change replaces histidine, which is basic and polar, with arginine, which is basic and polar, at codon 474 of the BRWD3 protein (p.His474Arg). This variant is not present in population databases (gnomAD no frequency). This variant has not been reported in the literature in individuals affected with BRWD3-related conditions. Invitae Evidence Modeling of protein sequence and biophysical properties (such as structural, functional, and spatial information, amino acid conservation, physicochemical variation, residue mobility, and thermodynamic stability) indicates that this missense variant is expected to disrupt BRWD3 protein function with a positive predictive value of 80%. In summary, the available evidence is currently insufficient to determine the role of this variant in disease. Therefore, it has been classified as a Variant of Uncertain Significance.